The following is an entry in ClinVar:

NM_000046.5(ARSB):c.*2859T>C

Gene: ARSB (arylsulfatase B; minus strand). Cytogenetic location: 5q14.1.
Variant type: single nucleotide variant.
Coding change: c.*2859T>C on transcript NM_000046.5 (MANE Select); 2859 bases downstream of the stop codon, T replaced by C.
Molecular consequence: 3 prime UTR variant.
Genome position (GRCh38, 1-based): chr5:78,777,538, A>G on the plus strand (T>C on the coding strand, the complement: ARSB is on the minus strand). VCF-style: chr5-78777538-A-G. GRCh37 (hg19) VCF-style: chr5-78073361-A-G.
Identifiers: ClinVar variation 354263 (VCV000354263.5), dbSNP rs116826065, ClinGen allele CA10625057.

ClinVar aggregate classification (germline): Benign (1 of 4 stars; one submission).

Conditions:
Mucopolysaccharidosis type 6 (MPS6). Also called: ARSB DEFICIENCY; ARYLSULFATASE B DEFICIENCY; MPS VI; N-ACETYLGALACTOSAMINE-4-SULFATASE DEFICIENCY; MPS 6; Maroteaux Lamy syndrome. Identifiers: Orphanet 583, MedGen C0026709, MONDO:0009661, OMIM 253200.

Allele frequency attached by ClinVar (database versions not stated): gnomAD 0.00931 and 0.00988; TOPMed 0.01035; 1000 Genomes Project 30x 0.01156; 1000 Genomes Project 0.01158.

Submission:

Illumina Laboratory Services, Illumina
Classification: Benign for Mucopolysaccharidosis type 6. Last evaluated: 2018-01-12. Review status: criteria provided, single submitter. Criteria: ICSL Variant Classification Criteria 13 December 2019. Collection method: clinical testing. Allele origin: germline.
Comment: This variant was observed in the ICSL laboratory as part of a predisposition screen in an ostensibly healthy population. It had not been previously curated by ICSL or reported in the Human Gene Mutation Database (HGMD: prior to June 1st, 2018), and was therefore a candidate for classification through an automated scoring system. Utilizing variant allele frequency, disease prevalence and penetrance estimates, and inheritance mode, an automated score was calculated to assess if this variant is too frequent to cause the disease. Based on the score and internal cut-off values, a variant classified as benign is not then subjected to further curation. The score for this variant resulted in a classification of benign for this disease.